The following is an entry in ClinVar:

ClinVar aggregate classification (germline): Uncertain significance. Review status: criteria provided, multiple submitters, no conflicts (2 of 4 stars). 2 submissions from 2 submitters: Uncertain significance (2). Last evaluated 2023-09-09.

Conditions:
Autosomal dominant hypocalcemia 1 (HYPOC1). Also called: HYPOCALCEMIA, FAMILIAL. Identifiers: MedGen C3715128, MONDO:0011013, OMIM 601198.
Familial hypocalciuric hypercalcemia (FHH). Also called: Familial benign hypercalcemia. Identifiers: Orphanet 405, MedGen C1809471, MONDO:0018458.
Nephrolithiasis/nephrocalcinosis. Identifiers: MedGen CN580796.

Allele frequency attached by ClinVar (database versions not stated): gnomAD 0.00001.
gnomAD v4.1: 2 of 1,614,062 alleles (0.00012%); highest among the groups gnomAD compares: East Asian, 0.0045%; no homozygotes.

Submissions (2):

Labcorp Genetics (formerly Invitae), Labcorp
Classification: Uncertain significance for Familial hypocalciuric hypercalcemia; Autosomal dominant hypocalcemia 1. Last evaluated: 2023-09-09. Review status: criteria provided, single submitter. Criteria: Invitae Variant Classification Sherloc (09022015). Collection method: clinical testing. Allele origin: germline.
Comment: This variant has not been reported in the literature in individuals affected with CASR-related conditions. ClinVar contains an entry for this variant (Variation ID: 1025227). An algorithm developed to predict the effect of missense changes on protein structure and function (PolyPhen-2) suggests that this variant is likely to be tolerated. In summary, the available evidence is currently insufficient to determine the role of this variant in disease. Therefore, it has been classified as a Variant of Uncertain Significance. This variant is present in population databases (no rsID available, gnomAD 0.06%). This sequence change replaces serine, which is neutral and polar, with arginine, which is basic and polar, at codon 83 of the CASR protein (p.Ser83Arg).

Ambry Genetics
Classification: Uncertain significance for Nephrolithiasis/nephrocalcinosis. Last evaluated: 2021-06-21. Review status: criteria provided, single submitter. Criteria: Ambry Variant Classification Scheme 2023. Collection method: clinical testing. Allele origin: germline.
Comment: The p.S83R variant (also known as c.249C>G), located in coding exon 2 of the CASR gene, results from a C to G substitution at nucleotide position 249. The serine at codon 83 is replaced by arginine, an amino acid with dissimilar properties. This amino acid position is conserved. In addition, this alteration is predicted to be tolerated by in silico analysis. Since supporting evidence is limited at this time, the clinical significance of this alteration remains unclear.

NM_000388.4(CASR):c.249C>G (p.Ser83Arg)

Gene: CASR (calcium sensing receptor; plus strand). Cytogenetic location: 3q21.1.
Variant type: single nucleotide variant.
Coding change: c.249C>G on transcript NM_000388.4 (MANE Select); coding-DNA position 249, C replaced by G.
Protein change: p.Ser83Arg; replaces serine 83 with arginine.
Molecular consequence: missense variant.
Genome position (GRCh38, 1-based): chr3:122,257,144, C>G. VCF-style: chr3-122257144-C-G. GRCh37 (hg19) VCF-style: chr3-121975991-C-G.
Other names: c.249C>G, p.Ser83Arg (NM_001178065.2); short protein forms S83R.
Identifiers: ClinVar variation 1025227 (VCV001025227.11), dbSNP rs1262032476, ClinGen allele CA354362488.